The following is an entry in ClinVar:

ClinVar aggregate classification (germline): Uncertain significance (1 of 4 stars; one submission).

Conditions:
Inborn genetic diseases. Identifiers: MedGen C0950123, MeSH D030342.

gnomAD v4.1: 4 of 1,612,986 alleles (0.00025%); highest among the groups gnomAD compares: Non-Finnish European, 0.00034%; no homozygotes.

Submission:

Ambry Genetics
Classification: Uncertain significance for Inborn genetic diseases. Last evaluated: 2025-09-20. Review status: criteria provided, single submitter. Criteria: Ambry Variant Classification Scheme 2023. Collection method: clinical testing. Allele origin: germline.
Comment: The p.C503F variant (also known as c.1508G>T), located in coding exon 11 of the BUB1B gene, results from a G to T substitution at nucleotide position 1508. The cysteine at codon 503 is replaced by phenylalanine, an amino acid with highly dissimilar properties. This amino acid position is conserved. In addition, this alteration is predicted to be tolerated by in silico analysis. Based on the available evidence, the clinical significance of this variant remains unclear.

NM_001211.6(BUB1B):c.1508G>T (p.Cys503Phe)

Gene: BUB1B (BUB1 mitotic checkpoint serine/threonine kinase B; plus strand). Cytogenetic location: 15q15.1.
Variant type: single nucleotide variant.
Coding change: c.1508G>T on transcript NM_001211.6 (MANE Select); coding-DNA position 1508, G replaced by T.
Protein change: p.Cys503Phe; replaces cysteine 503 with phenylalanine.
Molecular consequence: missense variant.
Genome position (GRCh38, 1-based): chr15:40,200,350, G>T. VCF-style: chr15-40200350-G-T. GRCh37 (hg19) VCF-style: chr15-40492551-G-T.
Other names: short protein forms C503F.
Identifiers: ClinVar variation 4600182 (VCV004600182.1).
Genomic context (GRCh38, chr15:40,200,350, plus strand): 5'-CTTCCGAGTCTCAGAAAATACCAGGAATGACTCTATCCAGTTCTGTTTGTCAAGTAAACT[G>T]TTGTGCCAGGTAAGACTACATAGGTGGAAGGGACAATGCATATAGGAGGGCATTTAGAAC-3'
Protein context (NP_001202.5, residues 493-513): TLSSSVCQVN[Cys503Phe]CARETSLAEN